The following is an entry in ClinVar:

ClinVar aggregate classification (germline): Conflicting classifications of pathogenicity. Review status: criteria provided, conflicting classifications (1 of 4 stars). 5 submissions from 5 submitters: Uncertain significance (4); Likely benign (1). Last evaluated 2025-09-22.

Conditions:
Familial cancer of breast. Also called: BREAST CANCER, FAMILIAL; Hereditary breast cancer; hereditary breast carcinoma. Identifiers: Orphanet 227535, MedGen C0346153, MONDO:0016419, OMIM 114480. Disease mechanism: loss of function.
Hereditary cancer-predisposing syndrome. Also called: Neoplastic Syndromes, Hereditary; Tumor predisposition; Hereditary neoplastic syndrome; Hereditary Cancer Syndrome. Identifiers: Orphanet 140162, MedGen C0027672, MeSH D009386, MONDO:0015356.

Allele frequency attached by ClinVar (database versions not stated): gnomAD exomes below 0.00001; ExAC 0.00001.
gnomAD v4.1: 1 of 1,614,144 alleles (0.000062%); highest among the groups gnomAD compares: Admixed American, 0.0017%; no homozygotes.

Submissions (5):

Labcorp Genetics (formerly Invitae), Labcorp
Classification: Uncertain significance for Familial cancer of breast. Last evaluated: 2025-09-22. Review status: criteria provided, single submitter. Criteria: Invitae Variant Classification Sherloc (09022015). Collection method: clinical testing. Allele origin: germline.
Comment: This sequence change replaces isoleucine, which is neutral and non-polar, with threonine, which is neutral and polar, at codon 702 of the BARD1 protein (p.Ile702Thr). This variant is present in population databases (rs752114855, gnomAD 0.003%). This variant has not been reported in the literature in individuals affected with BARD1-related conditions. ClinVar contains an entry for this variant (Variation ID: 629851). An algorithm developed to predict the effect of missense changes on protein structure and function (PolyPhen-2) suggests that this variant is likely to be disruptive. In summary, the available evidence is currently insufficient to determine the role of this variant in disease. Therefore, it has been classified as a Variant of Uncertain Significance.

Quest Diagnostics Nichols Institute San Juan Capistrano
Classification: Uncertain significance. Last evaluated: 2024-10-09. Review status: criteria provided, single submitter. Criteria: Quest Diagnostics criteria. Collection method: clinical testing. Allele origin: unknown.
Comment: The BARD1 c.2105T>C (p.Ile702Thr) variant has not been reported in individuals with BARD1-related conditions in the published literature. The frequency of this variant in the general population, 0.000004 (1/251296 chromosomes (Genome Aggregation Database)), is uninformative in the assessment of its pathogenicity. Analysis of this variant using bioinformatics tools for the prediction of the effect of amino acid changes on protein structure and function yielded conflicting predictions that this variant is deleterious or benign. Based on the available information, we are unable to determine the clinical significance of this variant.

GeneDx
Classification: Uncertain significance. Last evaluated: 2024-04-23. Review status: criteria provided, single submitter. Criteria: GeneDx Variant Classification Process June 2021. Collection method: clinical testing. Allele origin: germline. Affected: yes.
Comment: Not observed at significant frequency in large population cohorts (gnomAD); In silico analysis supports that this missense variant has a deleterious effect on protein structure/function; Has not been previously published as pathogenic or benign to our knowledge; This variant is associated with the following publications: (PMID: 17550235)

Ambry Genetics
Classification: Likely benign for Hereditary cancer-predisposing syndrome. Last evaluated: 2024-03-28. Review status: criteria provided, single submitter. Criteria: Ambry Variant Classification Scheme 2023. Collection method: clinical testing. Allele origin: germline.

Color Diagnostics, LLC DBA Color Health
Classification: Uncertain significance for Hereditary cancer-predisposing syndrome. Last evaluated: 2019-06-23. Review status: criteria provided, single submitter. Criteria: ACMG Guidelines, 2015. Collection method: clinical testing. Allele origin: germline.

NM_000465.4(BARD1):c.2105T>C (p.Ile702Thr)

Gene: BARD1 (BRCA1 associated RING domain 1; minus strand). Cytogenetic location: 2q35.
Variant type: single nucleotide variant.
Coding change: c.2105T>C on transcript NM_000465.4 (MANE Select); coding-DNA position 2105, T replaced by C.
Protein change: p.Ile702Thr; replaces isoleucine 702 with threonine.
Molecular consequence: missense variant. On other transcripts: non-coding transcript variant (3).
Genome position (GRCh38, 1-based): chr2:214,728,905, A>G on the plus strand (T>C on the coding strand, the complement: BARD1 is on the minus strand). VCF-style: chr2-214728905-A-G. GRCh37 (hg19) VCF-style: chr2-215593629-A-G.
Other names: c.2048T>C, p.Ile683Thr (NM_001282543.2); c.752T>C, p.Ile251Thr (NM_001282545.2); c.695T>C, p.Ile232Thr (NM_001282548.2); c.566T>C, p.Ile189Thr (NM_001282549.2); c.2105T>C (NM_000465.2); short protein forms I702T, I189T, I251T, I683T, I232T.
Identifiers: ClinVar variation 629851 (VCV000629851.17), dbSNP rs752114855, ClinGen allele CA2090078.
Genomic context (GRCh38, chr2:214,728,905, plus strand): 5'-TATGCGACTGTATTGATGGTCTGAGTCACGTCACTGTCTGGCTTGGGCTTTCTACTGAGG[A>G]TCTGGCCCCCACCTGCAGTGACGAGCTTAATAAGGTTGTCCTTTGGATGGTGTTTGAAGG-3'
Protein context (NP_000456.2, residues 692-712): IKLVTAGGGQ[Ile702Thr]LSRKPKPDSD